The following is an entry in ClinVar:

NM_001040108.2(MLH3):c.3658G>T (p.Val1220Leu)

Gene: MLH3 (mutL homolog 3; minus strand). Cytogenetic location: 14q24.3.
Variant type: single nucleotide variant.
Coding change: c.3658G>T on transcript NM_001040108.2 (MANE Select); coding-DNA position 3658, G replaced by T.
Protein change: p.Val1220Leu; replaces valine 1220 with leucine.
Molecular consequence: missense variant. On other transcripts: intron variant (1).
Genome position (GRCh38, 1-based): chr14:75,033,476, C>A on the plus strand (G>T on the coding strand, the complement: MLH3 is on the minus strand). VCF-style: chr14-75033476-C-A. GRCh37 (hg19) VCF-style: chr14-75500179-C-A.
Other names: c.3644-1297G>T (NM_014381.3); short protein forms V1220L.
Identifiers: ClinVar variation 1733643 (VCV001733643.2), dbSNP rs560775993, ClinGen allele CA390425460.

ClinVar aggregate classification (germline): Uncertain significance (1 of 4 stars; one submission).

gnomAD v4.1: 4 of 1,613,932 alleles (0.00025%); highest among the groups gnomAD compares: Non-Finnish European, 0.00025%; no homozygotes.

Submission:

Ambry Genetics
Classification: Uncertain significance. Last evaluated: 2021-12-20. Review status: criteria provided, single submitter. Criteria: Ambry Variant Classification Scheme 2023. Collection method: clinical testing. Allele origin: germline.
Comment: The p.V1220L variant (also known as c.3658G>T), located in coding exon 6 of the MLH3 gene, results from a G to T substitution at nucleotide position 3658. The valine at codon 1220 is replaced by leucine, an amino acid with highly similar properties. This amino acid position is conserved. In addition, this alteration is predicted to be tolerated by in silico analysis. Since supporting evidence is limited at this time, the clinical significance of this alteration remains unclear.